The following is an entry in ClinVar:

NM_020975.6(RET):c.742G>A (p.Gly248Ser)

Gene: RET (ret proto-oncogene; plus strand). Cytogenetic location: 10q11.21.
Variant type: single nucleotide variant.
Coding change: c.742G>A on transcript NM_020975.6 (MANE Select); coding-DNA position 742, G replaced by A.
Protein change: p.Gly248Ser; replaces glycine 248 with serine.
Molecular consequence: missense variant.
Genome position (GRCh38, 1-based): chr10:43,105,068, G>A. VCF-style: chr10-43105068-G-A. GRCh37 (hg19) VCF-style: chr10-43600516-G-A.
Other names: c.742G>A, p.Gly248Ser (NM_000323.2, NM_001406743.1, NM_001406744.1 and 8 more transcripts); c.-21G>A (NM_001355216.2); c.613G>A, p.Gly205Ser (NM_001406761.1, NM_001406762.1, NM_001406764.1 and 2 more transcripts); c.454G>A, p.Gly152Ser (NM_001406766.1, NM_001406767.1, NM_001406770.1); short protein forms G248S, G152S, G205S.
Identifiers: ClinVar variation 960888 (VCV000960888.15), dbSNP rs1837733775, ClinGen allele CA376544830.

ClinVar aggregate classification (germline): Conflicting classifications of pathogenicity. Review status: criteria provided, conflicting classifications (1 of 4 stars). 3 submissions from 3 submitters: Uncertain significance (1); Benign (1); Likely benign (1). Last evaluated 2026-08-28.

Conditions:
Multiple endocrine neoplasia, type 2 (MEN2). Identifiers: Orphanet 653, MedGen C4048306, MONDO:0019003. Disease mechanism: gain of function.
Hereditary cancer-predisposing syndrome. Also called: Neoplastic Syndromes, Hereditary; Hereditary Cancer Syndrome; Tumor predisposition; Hereditary neoplastic syndrome. Identifiers: Orphanet 140162, MedGen C0027672, MeSH D009386, MONDO:0015356.

Submissions (3):

Ambry Genetics
Classification: Likely benign for Hereditary cancer-predisposing syndrome. Last evaluated: 2026-08-28. Review status: criteria provided, single submitter. Criteria: Ambry Variant Classification Scheme 2023. Collection method: clinical testing. Allele origin: germline.

Labcorp Genetics (formerly Invitae), Labcorp
Classification: Uncertain significance for Multiple endocrine neoplasia, type 2. Last evaluated: 2026-01-13. Review status: criteria provided, single submitter. Criteria: Invitae Variant Classification Sherloc (09022015). Collection method: clinical testing. Allele origin: germline.
Comment: This sequence change replaces glycine, which is neutral and non-polar, with serine, which is neutral and polar, at codon 248 of the RET protein (p.Gly248Ser). This variant is not present in population databases (gnomAD no frequency). This variant has not been reported in the literature in individuals affected with RET-related conditions. ClinVar contains an entry for this variant (Variation ID: 960888). An algorithm developed to predict the effect of missense changes on protein structure and function outputs the following: PolyPhen-2: "Benign". The serine amino acid residue is found in multiple mammalian species, which suggests that this missense change does not adversely affect protein function. In summary, the available evidence is currently insufficient to determine the role of this variant in disease. Therefore, it has been classified as a Variant of Uncertain Significance.

Mendelics
Classification: Benign. Last evaluated: 2022-05-04. Review status: criteria provided, single submitter. Criteria: Mendelics Assertion Criteria 2019. Collection method: clinical testing. Allele origin: germline.